The following is an entry in ClinVar:

NM_013372.7(GREM1):c.113A>G (p.Lys38Arg)

Gene: GREM1 (gremlin 1, DAN family BMP antagonist; plus strand). Cytogenetic location: 15q13.3.
Variant type: single nucleotide variant.
Coding change: c.113A>G on transcript NM_013372.7 (MANE Select); coding-DNA position 113, A replaced by G.
Protein change: p.Lys38Arg; replaces lysine 38 with arginine.
Molecular consequence: missense variant. On other transcripts: intron variant (1).
Genome position (GRCh38, 1-based): chr15:32,730,803, A>G. VCF-style: chr15-32730803-A-G. GRCh37 (hg19) VCF-style: chr15-33023004-A-G.
Other names: c.113A>G, p.Lys38Arg (NM_001191323.2, NM_001368719.1); c.27+86A>G (NM_001191322.2); short protein forms K38R.
Identifiers: ClinVar variation 4824880 (VCV004824880.1).

ClinVar aggregate classification (germline): Uncertain significance (1 of 4 stars; one submission).

Conditions:
Hereditary cancer-predisposing syndrome. Also called: Neoplastic Syndromes, Hereditary; Tumor predisposition; Hereditary Cancer Syndrome; Hereditary neoplastic syndrome. Identifiers: Orphanet 140162, MedGen C0027672, MeSH D009386, MONDO:0015356.

Submission:

Ambry Genetics
Classification: Uncertain significance for Hereditary cancer-predisposing syndrome. Last evaluated: 2026-01-18. Review status: criteria provided, single submitter. Criteria: Ambry Variant Classification Scheme 2023. Collection method: clinical testing. Allele origin: germline.
Comment: The p.K38R variant (also known as c.113A>G), located in coding exon 1 of the GREM1 gene, results from an A to G substitution at nucleotide position 113. The lysine at codon 38 is replaced by arginine, an amino acid with highly similar properties. This amino acid position is conserved. In addition, this alteration is predicted to be tolerated by in silico analysis. Based on the available evidence, the clinical significance of this variant remains unclear.